The following is an entry in ClinVar:

NM_001378454.1(ALMS1):c.6803A>T (p.Glu2268Val)

Gene: ALMS1 (ALMS1 centrosome and basal body associated protein; plus strand). Cytogenetic location: 2p13.1.
Variant type: single nucleotide variant.
Coding change: c.6803A>T on transcript NM_001378454.1 (MANE Select); coding-DNA position 6803, A replaced by T.
Protein change: p.Glu2268Val; replaces glutamic acid 2268 with valine.
Molecular consequence: missense variant.
Genome position (GRCh38, 1-based): chr2:73,453,330, A>T. VCF-style: chr2-73453330-A-T. GRCh37 (hg19) VCF-style: chr2-73680457-A-T.
Other names: c.6806A>T, p.Glu2269Val (NM_015120.4); short protein forms E2268V, E2269V.
Identifiers: ClinVar variation 4998476 (VCV004998476.1).
Genomic context (GRCh38, chr2:73,453,330, plus strand): 5'-AAATCCAGGATGCAGAAAATAGTGCTAAAACTCTTAAGGAAATTCGGACACTTTTGATGG[A>T]GGCAGAAAATATGGCACTGAAACGATGCAATTTTCCTGCTCCCCTTGCCCGTTTCAGAGA-3'
Protein context (NP_001365383.1, residues 2258-2278): TLKEIRTLLM[Glu2268Val]AENMALKRCN

ClinVar aggregate classification (germline): Uncertain significance (1 of 4 stars; one submission).

Conditions:
ALMS1-related disorder. Also called: ALMS1-related condition.

Submission:

PreventionGenetics, part of Exact Sciences
Classification: Uncertain significance for ALMS1-related condition. Last evaluated: 2025-04-19. Review status: criteria provided, single submitter. Criteria: ACMG Guidelines, 2015. Collection method: clinical testing. Allele origin: germline.
Comment: The ALMS1 c.6806A>T variant is predicted to result in the amino acid substitution p.Glu2269Val. To our knowledge, this variant has not been reported in the literature or in a large population database (gnomAD), indicating this variant is rare. At this time, the clinical significance of this variant is uncertain due to the absence of conclusive functional and genetic evidence.